The following is an entry in ClinVar:

NM_033100.4(CDHR1):c.2041-2A>C

Gene: CDHR1 (cadherin related family member 1; plus strand). Cytogenetic location: 10q23.1.
Variant type: single nucleotide variant.
Coding change: c.2041-2A>C on transcript NM_033100.4 (MANE Select); the canonical splice acceptor site of the intron before coding-DNA position 2041, A replaced by C.
Molecular consequence: splice acceptor variant. On other transcripts: intron variant (1).
Genome position (GRCh38, 1-based): chr10:84,214,080, A>C. VCF-style: chr10-84214080-A-C. GRCh37 (hg19) VCF-style: chr10-85973836-A-C.
Other names: c.2040+732A>C (NM_001171971.3).
Identifiers: ClinVar variation 1061467 (VCV001061467.7), dbSNP rs763740152, ClinGen allele CA5580134.

ClinVar aggregate classification (germline): Likely pathogenic (1 of 4 stars; one submission).

Allele frequency attached by ClinVar (database versions not stated): gnomAD exomes 0.00001 and 0.00002; TOPMed 0.00002; ExAC 0.00004.
gnomAD v4.1: 7 of 1,614,182 alleles (0.00043%); highest among the groups gnomAD compares: Admixed American, 0.012%; no homozygotes.

Submission:

Labcorp Genetics (formerly Invitae), Labcorp
Classification: Likely pathogenic. Last evaluated: 2023-12-02. Review status: criteria provided, single submitter. Criteria: Invitae Variant Classification Sherloc (09022015). Collection method: clinical testing. Allele origin: germline.
Comment: This sequence change affects an acceptor splice site in intron 16 of the CDHR1 gene. While this variant is not anticipated to result in nonsense mediated decay, it likely alters RNA splicing and results in a disrupted protein product. This variant is present in population databases (rs763740152, gnomAD 0.02%). Disruption of this splice site has been observed in individuals with inherited retinal dystrophy (PMID: 31736247; Invitae). ClinVar contains an entry for this variant (Variation ID: 1061467). Variants that disrupt the consensus splice site are a relatively common cause of aberrant splicing (PMID: 17576681, 9536098). Algorithms developed to predict the effect of sequence changes on RNA splicing suggest that this variant may disrupt the consensus splice site. In summary, the currently available evidence indicates that the variant is pathogenic, but additional data are needed to prove that conclusively. Therefore, this variant has been classified as Likely Pathogenic.

Literature cited by the submitters: PubMed 31736247; PubMed 17576681; PubMed 9536098.